The following is an entry in ClinVar:

NM_004667.6(HERC2):c.8461C>T (p.Arg2821Cys)

Gene: HERC2 (HECT and RLD domain containing E3 ubiquitin protein ligase 2; minus strand). Cytogenetic location: 15q13.1.
Variant type: single nucleotide variant.
Coding change: c.8461C>T on transcript NM_004667.6 (MANE Select); coding-DNA position 8461, C replaced by T.
Protein change: p.Arg2821Cys; replaces arginine 2821 with cysteine.
Molecular consequence: missense variant.
Genome position (GRCh38, 1-based): chr15:28,191,235, G>A on the plus strand (C>T on the coding strand, the complement: HERC2 is on the minus strand). VCF-style: chr15-28191235-G-A. GRCh37 (hg19) VCF-style: chr15-28436381-G-A.
Other names: short protein forms R2821C.
Identifiers: ClinVar variation 1029885 (VCV001029885.1), dbSNP rs772066142, ClinGen allele CA7441461.

ClinVar aggregate classification (germline): Uncertain significance (1 of 4 stars; one submission).

Conditions:
Developmental delay with autism spectrum disorder and gait instability (MRT38). Also called: Intellectual developmental disorder, autosomal recessive 38. Identifiers: Orphanet 329195, MedGen C3809753, MONDO:0014224, OMIM 615516.

Allele frequency attached by ClinVar (database versions not stated): TOPMed below 0.00001; gnomAD 0.00002 and 0.00003; gnomAD exomes 0.00002; ExAC 0.00004.
gnomAD v4.1: 21 of 1,610,094 alleles (0.0013%); highest among the groups gnomAD compares: East Asian, 0.011%; 1 homozygote.

Submission:

Baylor Genetics
Classification: Uncertain significance for Developmental delay with autism spectrum disorder and gait instability. Last evaluated: 2020-01-20. Review status: criteria provided, single submitter. Criteria: ACMG Guidelines, 2015. Collection method: clinical testing. Allele origin: unknown. Affected: yes.
Comment: This variant was determined to be of uncertain significance according to ACMG Guidelines, 2015 [PMID:25741868].